The following is an entry in ClinVar:

NM_004360.5(CDH1):c.1924T>A (p.Tyr642Asn)

Gene: CDH1 (cadherin 1; plus strand). Cytogenetic location: 16q22.1.
Variant type: single nucleotide variant.
Coding change: c.1924T>A on transcript NM_004360.5 (MANE Select); coding-DNA position 1924, T replaced by A.
Protein change: p.Tyr642Asn; replaces tyrosine 642 with asparagine.
Molecular consequence: missense variant. On other transcripts: 5 prime UTR variant (1).
Genome position (GRCh38, 1-based): chr16:68,822,213, T>A. VCF-style: chr16-68822213-T-A. GRCh37 (hg19) VCF-style: chr16-68856116-T-A.
Other names: c.1741T>A, p.Tyr581Asn (NM_001317184.2); c.376T>A, p.Tyr126Asn (NM_001317185.2); c.-42T>A (NM_001317186.2); short protein forms Y126N, Y642N, Y581N.
Identifiers: ClinVar variation 5034011 (VCV005034011.1).

ClinVar aggregate classification (germline): Uncertain significance (1 of 4 stars; one submission).

Conditions:
Hereditary cancer-predisposing syndrome. Also called: Neoplastic Syndromes, Hereditary; Tumor predisposition; Hereditary neoplastic syndrome; Hereditary Cancer Syndrome. Identifiers: Orphanet 140162, MedGen C0027672, MeSH D009386, MONDO:0015356.

Submission:

Ambry Genetics
Classification: Uncertain significance for Hereditary cancer-predisposing syndrome. Last evaluated: 2026-08-12. Review status: criteria provided, single submitter. Criteria: Ambry Variant Classification Scheme 2023. Collection method: clinical testing. Allele origin: germline.
Comment: The p.Y642N variant (also known as c.1924T>A), located in coding exon 12 of the CDH1 gene, results from a T to A substitution at nucleotide position 1924. The tyrosine at codon 642 is replaced by asparagine, an amino acid with dissimilar properties. This amino acid position is conserved. In addition, this alteration is predicted to be tolerated by in silico analysis. Based on the available evidence, the clinical significance of this variant remains unclear.